The following is an entry in ClinVar:

NM_199355.4(ADAMTS18):c.299G>A (p.Arg100Gln)

Gene: ADAMTS18 (ADAM metallopeptidase with thrombospondin type 1 motif 18; minus strand). Cytogenetic location: 16q23.1.
Variant type: single nucleotide variant.
Coding change: c.299G>A on transcript NM_199355.4 (MANE Select); coding-DNA position 299, G replaced by A.
Protein change: p.Arg100Gln; replaces arginine 100 with glutamine.
Molecular consequence: missense variant. On other transcripts: 5 prime UTR variant (1).
Genome position (GRCh38, 1-based): chr16:77,431,491, C>T on the plus strand (G>A on the coding strand, the complement: ADAMTS18 is on the minus strand). VCF-style: chr16-77431491-C-T. GRCh37 (hg19) VCF-style: chr16-77465388-C-T.
Other names: c.-222G>A (NM_001326358.2); short protein forms R100Q.
Identifiers: ClinVar variation 1351922 (VCV001351922.6), dbSNP rs768100645, ClinGen allele CA8181716.

ClinVar aggregate classification (germline): Uncertain significance (1 of 4 stars; one submission).

Allele frequency attached by ClinVar (database versions not stated): gnomAD exomes 0.00001; TOPMed 0.00001; ExAC 0.00002; gnomAD 0.00003.
gnomAD v4.1: 21 of 1,614,050 alleles (0.0013%); highest among the groups gnomAD compares: East Asian, 0.0089%; no homozygotes.

Submission:

Labcorp Genetics (formerly Invitae), Labcorp
Classification: Uncertain significance. Last evaluated: 2021-02-12. Review status: criteria provided, single submitter. Criteria: Invitae Variant Classification Sherloc (09022015). Collection method: clinical testing. Allele origin: germline.
Comment: This sequence change replaces arginine with glutamine at codon 100 of the ADAMTS18 protein (p.Arg100Gln). The arginine residue is moderately conserved and there is a small physicochemical difference between arginine and glutamine. In summary, the available evidence is currently insufficient to determine the role of this variant in disease. Therefore, it has been classified as a Variant of Uncertain Significance. Algorithms developed to predict the effect of missense changes on protein structure and function output the following: SIFT: "Not Available"; PolyPhen-2: "Benign"; Align-GVGD: "Not Available". The glutamine amino acid residue is found in multiple mammalian species, suggesting that this missense change does not adversely affect protein function. These predictions have not been confirmed by published functional studies and their clinical significance is uncertain. This variant has not been reported in the literature in individuals with ADAMTS18-related conditions. This variant is present in population databases (rs768100645, ExAC 0.009%).